The following is an entry in ClinVar:

NM_201384.3(PLEC):c.6299C>G (p.Ala2100Gly)

Gene: PLEC (plectin; minus strand). Cytogenetic location: 8q24.3.
Variant type: single nucleotide variant.
Coding change: c.6299C>G on transcript NM_201384.3 (MANE Select); coding-DNA position 6299, C replaced by G.
Protein change: p.Ala2100Gly; replaces alanine 2100 with glycine.
Molecular consequence: missense variant. On other transcripts: intron variant (1).
Genome position (GRCh38, 1-based): chr8:143,923,630, G>C on the plus strand (C>G on the coding strand, the complement: PLEC is on the minus strand). VCF-style: chr8-143923630-G-C. GRCh37 (hg19) VCF-style: chr8-144997798-G-C.
Other names: c.6380C>G, p.Ala2127Gly (NM_000445.5); c.6257C>G, p.Ala2086Gly (NM_201378.4); c.6233C>G, p.Ala2078Gly (NM_201379.3); c.6710C>G, p.Ala2237Gly (NM_201380.4); c.6203C>G, p.Ala2068Gly (NM_201381.3); c.6299C>G, p.Ala2100Gly (NM_201382.4); c.6311C>G, p.Ala2104Gly (NM_201383.3); c.4126-1235C>G (NM_001410941.1); short protein forms A2086G, A2237G, A2100G, A2068G, A2078G, A2104G, A2127G.
Identifiers: ClinVar variation 4785878 (VCV004785878.1).
Genomic context (GRCh38, chr8:143,923,630, plus strand): 5'-GACTGCTTCAGCCGCTCGGCCTCTTCCACCTGCCGCCGGGACTGCGCCGCCTCACGCTCC[G>C]CCTGCACCCGGGCCTCCTCCGCCTCCTCAGCCGCCCGCCGGGCCGCCTCCGCCTCGCCGC-3'
Protein context (NP_958786.1, residues 2090-2110): AEEAEEARVQ[Ala2100Gly]EREAAQSRRQ

ClinVar aggregate classification (germline): Uncertain significance (1 of 4 stars; one submission).

Conditions:
Epidermolysis bullosa simplex with nail dystrophy (EBS5D). Identifiers: MedGen C4225309, MONDO:0014661, OMIM 616487.
Epidermolysis bullosa simplex, Ogna type (EBS5A). Also called: EPIDERMOLYSIS BULLOSA SIMPLEX 5A, OGNA TYPE; Pidermolysis bullosa simplex 5A, Ogna type. Identifiers: Orphanet 79401, MedGen C0432317, MONDO:0007555, OMIM 131950.
Autosomal recessive limb-girdle muscular dystrophy type 2Q (LGMDR17). Also called: MUSCULAR DYSTROPHY, LIMB-GIRDLE, AUTOSOMAL RECESSIVE 17. Identifiers: Orphanet 254361, MedGen C3150989, MONDO:0013390, OMIM 613723.
Epidermolysis bullosa simplex 5B, with muscular dystrophy (EBS5B). Also called: EPIDERMOLYSIS BULLOSA SIMPLEX AND LIMB-GIRDLE MUSCULAR DYSTROPHY; Epidermolysis bullosa simplex with muscular dystrophy. Identifiers: Orphanet 257, MedGen C2931072, MONDO:0009181, OMIM 226670.
Epidermolysis bullosa simplex 5C, with pyloric atresia (EBS5C). Also called: PLEC-Related Epidermolysis Bullosa with Pyloric Atresia; Epidermolysis bullosa simplex with pyloric atresia; PLEC1-Related Epidermolysis Bullosa with Pyloric Atresia. Identifiers: Orphanet 158684, MedGen C2677349, MONDO:0012807, OMIM 612138.

Submission:

Labcorp Genetics (formerly Invitae), Labcorp
Classification: Uncertain significance for Autosomal recessive limb-girdle muscular dystrophy type 2Q; Epidermolysis bullosa simplex, Ogna type; Epidermolysis bullosa simplex with nail dystrophy; Epidermolysis bullosa simplex 5C, with pyloric atresia; Epidermolysis bullosa simplex 5B, with muscular dystrophy. Last evaluated: 2025-09-24. Review status: criteria provided, single submitter. Criteria: Invitae Variant Classification Sherloc (09022015). Collection method: clinical testing. Allele origin: germline.
Comment: This sequence change replaces alanine, which is neutral and non-polar, with glycine, which is neutral and non-polar, at codon 2127 of the PLEC protein (p.Ala2127Gly). This variant is not present in population databases (gnomAD no frequency). This variant has not been reported in the literature in individuals affected with PLEC-related conditions. An algorithm developed to predict the effect of missense changes on protein structure and function (PolyPhen-2) suggests that this variant is likely to be tolerated. In summary, the available evidence is currently insufficient to determine the role of this variant in disease. Therefore, it has been classified as a Variant of Uncertain Significance.